The following is an entry in ClinVar:

ClinVar aggregate classification (germline): Pathogenic (1 of 4 stars; one submission).

Conditions:
Distal myopathy with posterior leg and anterior hand involvement. Also called: WILLIAMS DISTAL MYOPATHY. Identifiers: Orphanet 63273, MedGen C3279722, MONDO:0013550, OMIM 614065.
Myofibrillar myopathy 5. Also called: FILAMINOPATHY, AUTOSOMAL DOMINANT; Filaminopathy (type). Identifiers: Orphanet 171445, MedGen C1836050, MONDO:0012289, OMIM 609524.
Hypertrophic cardiomyopathy 26. Also called: Cardiomyopathy, familial hypertrophic, 26. Identifiers: Orphanet 75249, MedGen C4310749, MONDO:0014883, OMIM 617047.

Submission:

Labcorp Genetics (formerly Invitae), Labcorp
Classification: Pathogenic for Distal myopathy with posterior leg and anterior hand involvement; Myofibrillar myopathy 5; Hypertrophic cardiomyopathy 26. Last evaluated: 2022-09-07. Review status: criteria provided, single submitter. Criteria: Invitae Variant Classification Sherloc (09022015). Collection method: clinical testing. Allele origin: germline.
Comment: For these reasons, this variant has been classified as Pathogenic. Algorithms developed to predict the effect of sequence changes on RNA splicing suggest that this variant may create or strengthen a splice site. ClinVar contains an entry for this variant (Variation ID: 1387781). This variant has not been reported in the literature in individuals affected with FLNC-related conditions. This variant is not present in population databases (gnomAD no frequency). This sequence change creates a premature translational stop signal (p.Val767*) in the FLNC gene. It is expected to result in an absent or disrupted protein product. Loss-of-function variants in FLNC are known to be pathogenic (PMID: 27908349).

Literature cited by the submitters: PubMed 27908349.

NM_001458.5(FLNC):c.2299del (p.Arg766_Val767insTer)

Gene: FLNC (filamin C; plus strand). Cytogenetic location: 7q32.1.
Variant type: Deletion.
Coding change: c.2299del on transcript NM_001458.5 (MANE Select); coding-DNA position 2299, one base deleted (G; older notation c.2299delG).
Protein change: p.Arg766_Val767insTer.
Molecular consequence: nonsense.
Genome position (GRCh38, 1-based): chr7:128,842,608, G deleted; the last of 3 consecutive G bases (chr7:128,842,606-128,842,608); deleting any one gives the same sequence. VCF-style (leftmost placement, unchanged base first): chr7-128842605-CG-C. GRCh37 (hg19) VCF-style: chr7-128482659-CG-C.
Other names: c.2299del, p.Arg766_Val767insTer (NM_001127487.2).
Identifiers: ClinVar variation 1387781 (VCV001387781.6), dbSNP rs2128935670, ClinGen allele CA2573141713.